The following is an entry in ClinVar:

NM_001101.5(ACTB):c.934A>C (p.Arg312=)

Gene: ACTB (actin beta; minus strand). Cytogenetic location: 7p22.1.
Variant type: single nucleotide variant.
Coding change: c.934A>C on transcript NM_001101.5 (MANE Select); coding-DNA position 934, A replaced by C.
Protein change: p.Arg312=; no amino-acid change (arginine 312 retained).
Molecular consequence: synonymous variant.
Genome position (GRCh38, 1-based): chr7:5,528,054, T>G on the plus strand (A>C on the coding strand, the complement: ACTB is on the minus strand). VCF-style: chr7-5528054-T-G. GRCh37 (hg19) VCF-style: chr7-5567685-T-G.
Identifiers: ClinVar variation 2657287 (VCV002657287.24), dbSNP rs1584261508, ClinGen allele CA453638860.

ClinVar aggregate classification (germline): Likely benign (1 of 4 stars; one submission).

Submission:

CeGaT Center for Human Genetics Tuebingen
Classification: Likely benign. Last evaluated: 2023-10-01. Review status: criteria provided, single submitter. Criteria: CeGaT Center For Human Genetics Tuebingen Variant Classification Criteria Version 2. Collection method: clinical testing. Allele origin: germline. Affected: yes. Observed: 1 variant allele.
Comment: ACTB: PM2:Supporting, BP4, BP7